The following is an entry in ClinVar:

NM_031220.4(PITPNM3):c.1111G>A (p.Glu371Lys)

Gene: PITPNM3 (PITPNM family member 3; minus strand). Cytogenetic location: 17p13.2.
Variant type: single nucleotide variant.
Coding change: c.1111G>A on transcript NM_031220.4 (MANE Select); coding-DNA position 1111, G replaced by A.
Protein change: p.Glu371Lys; replaces glutamic acid 371 with lysine.
Molecular consequence: missense variant.
Genome position (GRCh38, 1-based): chr17:6,474,579, C>T on the plus strand (G>A on the coding strand, the complement: PITPNM3 is on the minus strand). VCF-style: chr17-6474579-C-T. GRCh37 (hg19) VCF-style: chr17-6377899-C-T.
Other names: c.1003G>A, p.Glu335Lys (NM_001165966.2); short protein forms E371K, E335K.
Identifiers: ClinVar variation 4747740 (VCV004747740.1).
Genomic context (GRCh38, chr17:6,474,579, plus strand): 5'-CAAAGCGGCCCAGGCTGACCTCAGGGAGCTGCGGCCCCCCAGCCGCCGGGGTCTCAGACT[C>T]ATCCTTTAGCACGCTGGAGTGGATGCTGCGGAGGGAGGAGGACGCAGGGCAGGGCAGGTC-3'
Protein context (NP_112497.2, residues 361-381): SSIHSSVLKD[Glu371Lys]SETPAAGGPQ

ClinVar aggregate classification (germline): Uncertain significance (1 of 4 stars; one submission).

gnomAD v4.1: 4 of 1,578,054 alleles (0.00025%); highest among the groups gnomAD compares: Admixed American, 0.0074%; no homozygotes.

Submission:

Labcorp Genetics (formerly Invitae), Labcorp
Classification: Uncertain significance. Last evaluated: 2025-09-17. Review status: criteria provided, single submitter. Criteria: Invitae Variant Classification Sherloc (09022015). Collection method: clinical testing. Allele origin: germline.
Comment: This sequence change replaces glutamic acid, which is acidic and polar, with lysine, which is basic and polar, at codon 371 of the PITPNM3 protein (p.Glu371Lys). This variant is present in population databases (no rsID available, gnomAD 0.007%). This variant has not been reported in the literature in individuals affected with PITPNM3-related conditions. Invitae Evidence Modeling of protein sequence and biophysical properties (such as structural, functional, and spatial information, amino acid conservation, physicochemical variation, residue mobility, and thermodynamic stability) indicates that this missense variant is not expected to disrupt PITPNM3 protein function with a negative predictive value of 80%. In summary, the available evidence is currently insufficient to determine the role of this variant in disease. Therefore, it has been classified as a Variant of Uncertain Significance.